The following is an entry in ClinVar:

NM_003873.7(NRP1):c.850G>A (p.Gly284Arg)

Gene: NRP1 (neuropilin 1; minus strand). Cytogenetic location: 10p11.22.
Variant type: single nucleotide variant.
Coding change: c.850G>A on transcript NM_003873.7 (MANE Select); coding-DNA position 850, G replaced by A.
Protein change: p.Gly284Arg; replaces glycine 284 with arginine.
Molecular consequence: missense variant. On other transcripts: non-coding transcript variant (1).
Genome position (GRCh38, 1-based): chr10:33,254,159, C>T on the plus strand (G>A on the coding strand, the complement: NRP1 is on the minus strand). VCF-style: chr10-33254159-C-T. GRCh37 (hg19) VCF-style: chr10-33543087-C-T.
Other names: c.850G>A, p.Gly284Arg (NM_001024628.3, NM_001024629.3, NM_001244972.2 and 2 more transcripts); short protein forms G284R.
Identifiers: ClinVar variation 4995511 (VCV004995511.1).

ClinVar aggregate classification (germline): Uncertain significance (1 of 4 stars; one submission).

Conditions:
NRP1-related disorder. Also called: NRP1-related condition.

Submission:

PreventionGenetics, part of Exact Sciences
Classification: Uncertain significance for NRP1-related condition. Last evaluated: 2026-03-30. Review status: criteria provided, single submitter. Criteria: ACMG Guidelines, 2015. Collection method: clinical testing. Allele origin: germline.
Comment: The NRP1 c.850G>A variant is predicted to result in the amino acid substitution p.Gly284Arg. To our knowledge, this variant has not been reported in the literature or in a large population database (gnomAD), indicating this variant is rare. At this time, the clinical significance of this variant is uncertain due to the absence of conclusive functional and genetic evidence.